The following is an entry in ClinVar:

NM_001243133.2(NLRP3):c.2322-5T>C

Gene: NLRP3 (NLR family pyrin domain containing 3; plus strand). Cytogenetic location: 1q44.
Variant type: single nucleotide variant.
Coding change: c.2322-5T>C on transcript NM_001243133.2 (MANE Select); 5 bases into the intron before coding-DNA position 2322, T replaced by C.
Molecular consequence: intron variant.
Genome position (GRCh38, 1-based): chr1:247,434,098, T>C. VCF-style: chr1-247434098-T-C. GRCh37 (hg19) VCF-style: chr1-247597400-T-C.
Other names: c.2328-5T>C (NM_004895.5); c.2322-5T>C (NM_001127461.3, NM_001079821.3); c.2151-5T>C (NM_001127462.3, NM_183395.3).
Identifiers: ClinVar variation 3031598 (VCV003031598.2), dbSNP rs1663597650, ClinGen allele CA1014480253.
Genomic context (GRCh38, chr1:247,434,098, plus strand): 5'-CTCTGTTCTGGAGCTCTCTGGTCAGGTGTGTTCTGATGCTTTCTGCCTCTGTTCTTGGCA[T>C]GAAGGTTGGGGCGCTGTGGCCTCTCGCATGAGTGCTGCTTCGACATCTCCTTGGTCCTCA-3'

ClinVar aggregate classification (germline): Likely benign (0 of 4 stars; one submission).

Conditions:
NLRP3-related disorder. Also called: NLRP3-Related Disorders; NLRP3-related condition.

Allele frequency attached by ClinVar (database versions not stated): TOPMed below 0.00001.

Submission:

PreventionGenetics, part of Exact Sciences
Classification: Likely benign for NLRP3-related condition. Last evaluated: 2023-08-09. Review status: no assertion criteria provided. Collection method: clinical testing. Allele origin: germline.
Comment: This variant is classified as likely benign based on ACMG/AMP sequence variant interpretation guidelines (Richards et al. 2015 PMID: 25741868, with internal and published modifications).